The following is an entry in ClinVar:

ClinVar aggregate classification (germline): Pathogenic (1 of 4 stars; one submission).

Submission:

Labcorp Genetics (formerly Invitae), Labcorp
Classification: Pathogenic. Last evaluated: 2022-06-13. Review status: criteria provided, single submitter. Criteria: Invitae Variant Classification Sherloc (09022015). Collection method: clinical testing. Allele origin: germline.
Comment: This variant has not been reported in the literature in individuals affected with RS1-related conditions. This variant is not present in population databases (gnomAD no frequency). This sequence change results in a frameshift in the RS1 gene (p.Leu161Profs*103). While this is not anticipated to result in nonsense mediated decay, it is expected to disrupt the last 64 amino acid(s) of the RS1 protein and extend the protein by 38 additional amino acid residues. This variant results in an extension of the RS1 protein. Other variant(s) that result in a similarly extended protein product (p.Ile195Hisfs*69) have been determined to be pathogenic (Invitae). This suggests that these extensions are likely to be disease-causing. For these reasons, this variant has been classified as Pathogenic.

NM_000330.4(RS1):c.481dup (p.Leu161fs)

Genes: CDKL5 (cyclin dependent kinase like 5; plus strand), RS1 (retinoschisin 1; minus strand). Cytogenetic location: Xp22.13.
Variant type: Duplication.
Coding change: c.481dup on transcript NM_000330.4 (MANE Select); coding-DNA position 481, one base duplicated (C; older notation c.481dupC).
Protein change: p.Leu161fs; shifts the reading frame from leucine 161.
Molecular consequence: frameshift variant. On other transcripts: intron variant (2).
Genome position (GRCh38, 1-based): chrX:18,644,471, G duplicated on the plus strand (C on the coding strand, the reverse complement: RS1 is on the minus strand); the first of 2 consecutive G bases (chrX:18,644,471-18,644,472); duplicating either gives the same sequence. VCF-style (leftmost placement, unchanged base first): chrX-18644470-A-AG. GRCh37 (hg19) VCF-style: chrX-18662590-A-AG.
Other names: c.2714-1535dup (NM_003159.3, NM_001037343.2); short protein forms L161fs.
Identifiers: ClinVar variation 1451656 (VCV001451656.8), dbSNP rs2147191149, ClinGen allele CA2573158453.